The following is an entry in ClinVar:

NM_001146312.3(MYOCD):c.1628A>G (p.Glu543Gly)

Gene: MYOCD (myocardin; plus strand). Cytogenetic location: 17p12.
Variant type: single nucleotide variant.
Coding change: c.1628A>G on transcript NM_001146312.3 (MANE Select); coding-DNA position 1628, A replaced by G.
Protein change: p.Glu543Gly; replaces glutamic acid 543 with glycine.
Molecular consequence: missense variant.
Genome position (GRCh38, 1-based): chr17:12,752,916, A>G. VCF-style: chr17-12752916-A-G. GRCh37 (hg19) VCF-style: chr17-12656233-A-G.
Other names: c.1391A>G, p.Glu464Gly (NM_001378306.1); c.1628A>G, p.Glu543Gly (NM_153604.4); short protein forms E464G, E543G.
Identifiers: ClinVar variation 3025973 (VCV003025973.22), dbSNP rs772254215, ClinGen allele CA8399660.

ClinVar aggregate classification (germline): Uncertain significance (1 of 4 stars; one submission).

Allele frequency attached by ClinVar (database versions not stated): gnomAD exomes below 0.00001; gnomAD 0.00001; TOPMed 0.00001; ExAC 0.00011.
gnomAD v4.1: 8 of 1,613,986 alleles (0.0005%); highest among the groups gnomAD compares: Non-Finnish European, 0.00068%; no homozygotes.

Submission:

CeGaT Center for Human Genetics Tuebingen
Classification: Uncertain significance. Last evaluated: 2023-12-01. Review status: criteria provided, single submitter. Criteria: CeGaT Center For Human Genetics Tuebingen Variant Classification Criteria Version 2. Collection method: clinical testing. Allele origin: germline. Affected: yes. Observed: 1 variant allele.
Comment: MYOCD: PM2:Supporting